The following is an entry in ClinVar:

NM_020975.6(RET):c.3135T>C (p.Asn1045=)

Gene: RET (ret proto-oncogene; plus strand). Cytogenetic location: 10q11.21.
Variant type: single nucleotide variant.
Coding change: c.3135T>C on transcript NM_020975.6 (MANE Select); coding-DNA position 3135, T replaced by C.
Protein change: p.Asn1045=; no amino-acid change (asparagine 1045 retained).
Molecular consequence: synonymous variant. On other transcripts: intron variant (4).
Genome position (GRCh38, 1-based): chr10:43,126,670, T>C. VCF-style: chr10-43126670-T-C. GRCh37 (hg19) VCF-style: chr10-43622118-T-C.
Other names: c.3135T>C, p.Asn1045= (NM_000323.2, NM_001406743.1, NM_001406744.1 and 2 more transcripts); c.2373T>C, p.Asn791= (NM_001355216.2); c.3006T>C, p.Asn1002= (NM_001406761.1, NM_001406762.1, NM_001406764.1); c.3000T>C, p.Asn1000= (NM_001406763.1, NM_001406765.1); c.2847T>C, p.Asn949= (NM_001406766.1, NM_001406767.1, NM_001406770.1); c.2871T>C, p.Asn957= (NM_001406768.1); c.2739T>C, p.Asn913= (NM_001406769.1, NM_001406772.1); c.2697T>C, p.Asn899= (NM_001406771.1, NM_001406773.1); and 13 more.
Identifiers: ClinVar variation 730152 (VCV000730152.16), dbSNP rs1217348681, ClinGen allele CA469032579.

ClinVar aggregate classification (germline): Likely benign. Review status: criteria provided, multiple submitters, no conflicts (2 of 4 stars). 5 submissions from 5 submitters: Likely benign (4). 1 of the submissions does not count toward it. Last evaluated 2024-09-19.

Conditions:
RET-related disorder. Also called: RET-related disorders; RET-related condition; RET-related disease.
Hereditary cancer-predisposing syndrome. Also called: Hereditary neoplastic syndrome; Tumor predisposition; Hereditary Cancer Syndrome; Neoplastic Syndromes, Hereditary. Identifiers: Orphanet 140162, MedGen C0027672, MeSH D009386, MONDO:0015356.
Multiple endocrine neoplasia, type 2 (MEN2). Identifiers: Orphanet 653, MedGen C4048306, MONDO:0019003. Disease mechanism: gain of function.

Allele frequency attached by ClinVar (database versions not stated): gnomAD exomes below 0.00001; TOPMed below 0.00001.
gnomAD v4.1: 4 of 1,614,084 alleles (0.00025%); highest among the groups gnomAD compares: Non-Finnish European, 0.00025%; no homozygotes.

Submissions (5):

Labcorp Genetics (formerly Invitae), Labcorp
Classification: Likely benign for Multiple endocrine neoplasia, type 2. Last evaluated: 2024-09-19. Review status: criteria provided, single submitter. Criteria: Invitae Variant Classification Sherloc (09022015). Collection method: clinical testing. Allele origin: germline.

All of Us Research Program, National Institutes of Health
Classification: Likely benign for Multiple endocrine neoplasia, type 2. Last evaluated: 2023-10-27. Review status: criteria provided, single submitter. Criteria: ACMG Guidelines, 2015. Collection method: clinical testing. Allele origin: germline. Inheritance: Autosomal dominant inheritance. Observed: 1 variant allele, 1 heterozygote.
Comment: This study involves interpretation of variants in research participants for the purpose of population health screening. Participant phenotype was not available at the time of variant classification. Additional details can be found in publication PMID: 35346344, PMCID: PMC8962531

Color Diagnostics, LLC DBA Color Health
Classification: Likely benign for Multiple endocrine neoplasia, type 2. Last evaluated: 2023-10-18. Review status: criteria provided, single submitter. Criteria: ACMG Guidelines, 2015. Collection method: clinical testing. Allele origin: germline.

Ambry Genetics
Classification: Likely benign for Hereditary cancer-predisposing syndrome. Last evaluated: 2022-08-28. Review status: criteria provided, single submitter. Criteria: Ambry Variant Classification Scheme 2023. Collection method: clinical testing. Allele origin: germline.

PreventionGenetics, part of Exact Sciences
Classification: Likely benign for RET-related condition. Last evaluated: 2023-08-02. Review status: no assertion criteria provided. Collection method: clinical testing. Allele origin: germline. Not counted in ClinVar's aggregate classification.
Comment: This variant is classified as likely benign based on ACMG/AMP sequence variant interpretation guidelines (Richards et al. 2015 PMID: 25741868, with internal and published modifications).